The following is an entry in ClinVar:

NM_001080.3(ALDH5A1):c.318C>T (p.Tyr106=)

Genes: ALDH5A1 (aldehyde dehydrogenase 5 family member A1; plus strand), LOC129995978 (ATAC-STARR-seq lymphoblastoid silent region 16989; plus strand). Cytogenetic location: 6p22.3.
Variant type: single nucleotide variant.
Coding change: c.318C>T on transcript NM_001080.3 (MANE Select); coding-DNA position 318, C replaced by T.
Protein change: p.Tyr106=; no amino-acid change (tyrosine 106 retained).
Molecular consequence: synonymous variant.
Genome position (GRCh38, 1-based): chr6:24,495,314, C>T. VCF-style: chr6-24495314-C-T. GRCh37 (hg19) VCF-style: chr6-24495542-C-T.
Other names: c.318C>T, p.Tyr106= (NM_001368954.1, NM_170740.1).
Identifiers: ClinVar variation 1158854 (VCV001158854.34), dbSNP rs985818920, ClinGen allele CA136122252.

ClinVar aggregate classification (germline): Likely benign. Review status: criteria provided, multiple submitters, no conflicts (2 of 4 stars). 3 submissions from 3 submitters: Likely benign (3). Last evaluated 2024-06-30.

Conditions:
Succinate-semialdehyde dehydrogenase deficiency (SSADHD). Also called: Succinic Semialdehyde Dehydrogenase Deficiency; 4-HYDROXYBUTYRIC ACIDURIA; GABA METABOLIC DEFECT; SSADH DEFICIENCY. Identifiers: Orphanet 22, MedGen C0268631, MONDO:0010083, OMIM 271980.

Allele frequency attached by ClinVar (database versions not stated): gnomAD exomes 0.00002; TOPMed 0.00005.
gnomAD v4.1: 24 of 1,533,088 alleles (0.0016%); highest among the groups gnomAD compares: African/African-American, 0.016%; no homozygotes.

Submissions (3):

Labcorp Genetics (formerly Invitae), Labcorp
Classification: Likely benign for Succinate-semialdehyde dehydrogenase deficiency. Last evaluated: 2024-06-30. Review status: criteria provided, single submitter. Criteria: Invitae Variant Classification Sherloc (09022015). Collection method: clinical testing. Allele origin: germline.

Blueprint Genetics
Classification: Likely benign. Last evaluated: 2023-04-05. Review status: criteria provided, single submitter. Criteria: ACMG Guidelines, 2015. Collection method: clinical testing. Allele origin: germline.

CeGaT Center for Human Genetics Tuebingen
Classification: Likely benign. Last evaluated: 2022-11-01. Review status: criteria provided, single submitter. Criteria: CeGaT Center For Human Genetics Tuebingen Variant Classification Criteria Version 2. Collection method: clinical testing. Allele origin: germline. Affected: yes. Observed: 1 variant allele.
Comment: ALDH5A1: BP4, BP7